The following is an entry in ClinVar:

ClinVar aggregate classification (germline): Uncertain significance. Review status: criteria provided, multiple submitters, no conflicts (2 of 4 stars). 2 submissions from 2 submitters: Uncertain significance (2). Last evaluated 2025-10-17.

Conditions:
Ehlers-Danlos syndrome, dermatosparaxis type. Also called: EDS VIIC; Dermatosparaxis; Ehlers-Danlos syndrome, type VII, autosomal recessive. Identifiers: Orphanet 1901, MedGen C2700425, MONDO:0009161, OMIM 225410.

Allele frequency attached by ClinVar (database versions not stated): ExAC 0.00001; gnomAD 0.00001; gnomAD exomes 0.00001; TOPMed 0.00001.
gnomAD v4.1: 10 of 1,613,002 alleles (0.00062%); highest among the groups gnomAD compares: Admixed American, 0.0033%; no homozygotes.

Submissions (2):

Mayo Clinic Laboratories, Mayo Clinic
Classification: Uncertain significance. Last evaluated: 2025-10-17. Review status: criteria provided, single submitter. Criteria: ACMG Guidelines, 2015. Collection method: clinical testing. Allele origin: germline. Observed: 1 variant allele.
Comment: PP3_moderate, PM2_supporting

Labcorp Genetics (formerly Invitae), Labcorp
Classification: Uncertain significance for Ehlers-Danlos syndrome, dermatosparaxis type. Last evaluated: 2022-01-28. Review status: criteria provided, single submitter. Criteria: Invitae Variant Classification Sherloc (09022015). Collection method: clinical testing. Allele origin: germline.
Comment: This sequence change replaces arginine, which is basic and polar, with cysteine, which is neutral and slightly polar, at codon 882 of the ADAMTS2 protein (p.Arg882Cys). This variant is present in population databases (rs760662401, gnomAD 0.007%). This variant has not been reported in the literature in individuals affected with ADAMTS2-related conditions. Algorithms developed to predict the effect of missense changes on protein structure and function (SIFT, PolyPhen-2, Align-GVGD) all suggest that this variant is likely to be disruptive. In summary, the available evidence is currently insufficient to determine the role of this variant in disease. Therefore, it has been classified as a Variant of Uncertain Significance.

Literature cited by the submitters: PubMed 15987500 (cited by Mayo Clinic Laboratories, Mayo Clinic); PubMed 26025392 (cited by Mayo Clinic Laboratories, Mayo Clinic).

NM_014244.5(ADAMTS2):c.2644C>T (p.Arg882Cys)

Gene: ADAMTS2 (ADAM metallopeptidase with thrombospondin type 1 motif 2; minus strand). Cytogenetic location: 5q35.3.
Variant type: single nucleotide variant.
Coding change: c.2644C>T on transcript NM_014244.5 (MANE Select); coding-DNA position 2644, C replaced by T.
Protein change: p.Arg882Cys; replaces arginine 882 with cysteine.
Molecular consequence: missense variant.
Genome position (GRCh38, 1-based): chr5:179,126,104, G>A on the plus strand (C>T on the coding strand, the complement: ADAMTS2 is on the minus strand). VCF-style: chr5-179126104-G-A. GRCh37 (hg19) VCF-style: chr5-178553105-G-A.
Other names: p.Arg882Cys; short protein forms R882C.
Identifiers: ClinVar variation 2144423 (VCV002144423.2), dbSNP rs760662401, ClinGen allele CA3595475.